The following is an entry in ClinVar:

NM_000069.3(CACNA1S):c.3716G>A (p.Arg1239His)

Gene: CACNA1S (calcium voltage-gated channel subunit alpha1 S; minus strand). Cytogenetic location: 1q32.1.
Variant type: single nucleotide variant.
Coding change: c.3716G>A on transcript NM_000069.3 (MANE Select); coding-DNA position 3716, G replaced by A.
Protein change: p.Arg1239His; replaces arginine 1239 with histidine.
Molecular consequence: missense variant.
Genome position (GRCh38, 1-based): chr1:201,053,538, C>T on the plus strand (G>A on the coding strand, the complement: CACNA1S is on the minus strand). VCF-style: chr1-201053538-C-T. GRCh37 (hg19) VCF-style: chr1-201022666-C-T.
Other names: NM_000069.2(CACNA1S):c.3716G>A(p.Arg1239His); short protein forms R1239H.
Identifiers: ClinVar variation 17623 (VCV000017623.64), dbSNP rs28930068, ClinGen allele CA004054.

ClinVar aggregate classification (germline): Pathogenic. Review status: criteria provided, multiple submitters, no conflicts (2 of 4 stars). 20 submissions from 19 submitters: Pathogenic (16). 4 of the submissions do not count toward it. Last evaluated 2026-08-01.

Conditions:
CACNA1S-related disorder. Also called: CACNA1S-related condition.
Skeletal muscle channelopathy.
Congenital myopathy 18. Also called: Myopathy, congenital, due to dihydropyridine receptor defect; DIHYDROPYRIDINE RECEPTOR CONGENITAL MYOPATHY; DHPR CONGENITAL MYOPATHY. Identifiers: MedGen C5830283, MONDO:0859514, OMIM 620246.
Inborn genetic diseases. Identifiers: MedGen C0950123, MeSH D030342.
Malignant hyperthermia, susceptibility to, 5 (MHS5). Also called: CACNA1S-Related Malignant Hyperthermia Susceptibility. Identifiers: Orphanet 423, MedGen C1866077, MONDO:0011163, OMIM 601887.
Hypokalemic periodic paralysis, type 1. Also called: Hypokalemic Periodic Paralysis Type 1 (AD); HypoPP. Identifiers: Orphanet 681, MedGen C3714580, MONDO:0042979, OMIM 170400.

Submissions 1 to 12 of 20:

CeGaT Center for Human Genetics Tuebingen
Classification: Pathogenic. Last evaluated: 2026-08-01. Review status: criteria provided, single submitter. Criteria: CeGaT Center For Human Genetics Tuebingen Variant Classification Criteria Version 2. Collection method: clinical testing. Allele origin: germline. Affected: yes. Observed: 2 variant alleles.
Comment: CACNA1S: PS4, PM1, PM2, PM5, PP3

Ambry Genetics
Classification: Pathogenic for Inborn genetic diseases. Last evaluated: 2026-04-20. Review status: criteria provided, single submitter. Criteria: Ambry Variant Classification Scheme 2023. Collection method: clinical testing. Allele origin: germline.
Comment: The c.3716G>A (p.R1239H) alteration is located in exon 30 (coding exon 30) of the CACNA1S gene. This alteration results from a G to A substitution at nucleotide position 3716, causing the arginine (R) at amino acid position 1239 to be replaced by a histidine (H). for autosomal dominant CACNA1S-related hypokalemic periodic paralysis; however, its clinical significance for autosomal dominant CACNA1S-related malignant hyperthermia sensitivity, autosomal dominant CACNA1S-related myopathy, and autosomal recessive CACNA1S-related myopathy is uncertain. This variant was not reported in population-based cohorts in the Genome Aggregation Database (gnomAD). This variant was reported in individual(s) with features consistent with hypokalemic periodic paralysis; in at least one individual, it was determined to be de novo (Kumar, 2018; Elbaz, 1995; Kusumi, 2001; L&oacute;pez-Hern&aacute;ndez, 2021). This amino acid position is highly conserved in available vertebrate species. Functional studies suggest alterations in channel function; however, additional evidence is needed to confirm this finding (Fuster, 2017). This alteration is predicted to be deleterious by in silico analysis. Based on the available evidence, this alteration is classified as pathogenic.

PreventionGenetics, part of Exact Sciences
Classification: Pathogenic for CACNA1S-related condition. Last evaluated: 2026-04-07. Review status: criteria provided, single submitter. Criteria: ACMG Guidelines, 2015. Collection method: clinical testing. Allele origin: germline.
Comment: The CACNA1S c.3716G>A variant is predicted to result in the amino acid substitution p.Arg1239His. This variant has been frequently reported in patients with hypokalemic periodic paralysis (see for examples, Elbaz et al. 1995. PubMed ID: 7847370; Kusumi et al. 2001. PubMed ID: 11555352; Jurkat-Rott et al. 2009. PubMed ID: 19225109; Kumar et al. 2018. PubMed ID: 30090141; Zhao et al. 2024. PubMed ID: 38609989). In vitro and in vivo functional studies support pathogenicity by demonstrating this variant impacts channel properties and results in cation leaks (Jurkat-Rott et al. 2009. PubMed ID: 19225109). This variant has not been reported in a large population database (gnomAD), indicating it is rare, and has been consistently classified as pathogenic by several submitters in the ClinVar database. Additionally, a different missense change impacting the same amino acid (p.Arg1239Gly) has been reported in individuals with hypokalemic periodic paralysis (Jurkat-Rott et al. 2009. PubMed ID: 19225109). Given the evidence, the c.3716G>A (p.Arg1239His) variant is interpreted as pathogenic.

Genetics Laboratory, Great Ormond Street Hospital NHS Foundation Trust, North Thames Genomic Laboratory Hub
Classification: Pathogenic for Skeletal muscle channelopathy. Last evaluated: 2026-04-05. Review status: criteria provided, single submitter. Criteria: ACGS Best Practice Guidelines for Variant Classification in Rare Disease 2024 v1.2. Collection method: clinical testing. Allele origin: germline. Affected: yes.
Comment: PS4_moderate, PM2_moderate, PM5_supporting, PS3_strong, PM1_moderate, PP1_strong, PM6_strong

3billion
Classification: Pathogenic for Hypokalemic periodic paralysis, type 1. Last evaluated: 2026-01-20. Review status: criteria provided, single submitter. Criteria: ACMG Guidelines, 2015. Collection method: clinical testing. Allele origin: germline. Affected: yes.
Comment: The variant is not observed in the gnomAD v4.1.0 dataset. Predicted Consequence/Location: Missense variant Functional studies provide strong evidence of the variant having a damaging effect on the gene or gene product (PMID: 19225109, 28857175, 29572832). In silico tool predictions suggest damaging effect of the variant on gene or gene product [REVEL: 0.97 (>=0.6, sensitivity 0.68 and specificity 0.92); 3Cnet: 0.93 (> 0.75, sensitivity 0.96 and precision 0.92)]. The same nucleotide change resulting in the same amino acid change has been previously reported as pathogenic/likely pathogenic with strong evidence (ClinVar ID: VCV000017623 /PMID: 7847370 /3billion dataset). The variant has been previously reported as de novo in a similarly affected individual (PMID: 34008892). The variant has been observed in at least two similarly affected unrelated individuals (PMID: 26252573, 34008892). Different missense changes at the same codon (p.Arg1239Cys, p.Arg1239Gly) have been reported as pathogenic/likely pathogenic with strong evidence (ClinVar ID: VCV000017624, VCV002166438 /PMID: 8004673 /3billion dataset). Therefore, this variant is classified as Pathogenic according to the recommendation of ACMG/AMP guideline.

Labcorp Genetics (formerly Invitae), Labcorp
Classification: Pathogenic for Hypokalemic periodic paralysis, type 1; Malignant hyperthermia, susceptibility to, 5. Last evaluated: 2025-12-15. Review status: criteria provided, single submitter. Criteria: Invitae Variant Classification Sherloc (09022015). Collection method: clinical testing. Allele origin: germline.
Comment: This sequence change replaces arginine, which is basic and polar, with histidine, which is basic and polar, at codon 1239 of the CACNA1S protein (p.Arg1239His). This variant is not present in population databases (gnomAD no frequency). This missense change has been observed in individuals with autosomal dominant hypokalemic periodic paralysis (PMID: 7847370, 10639629, 11555352, 17418573, 21841462, 25213595). It has also been observed to segregate with disease in related individuals. ClinVar contains an entry for this variant (Variation ID: 17623). Invitae Evidence Modeling of protein sequence and biophysical properties (such as structural, functional, and spatial information, amino acid conservation, physicochemical variation, residue mobility, and thermodynamic stability) has been performed for this missense variant. However, the output from this modeling did not meet the statistical confidence thresholds required to predict the impact of this variant on CACNA1S protein function. Experimental studies have shown that this missense change affects CACNA1S function (PMID: 19225109). For these reasons, this variant has been classified as Pathogenic.

GeneDx
Classification: Pathogenic. Last evaluated: 2025-03-04. Review status: criteria provided, single submitter. Criteria: GeneDx Variant Classification Process June 2021. Collection method: clinical testing. Allele origin: germline. Affected: yes.
Comment: Published functional studies demonstrate membrane depolarization (PMID: 19225109, 28857175); In silico analysis supports that this missense variant has a deleterious effect on protein structure/function; Not observed at significant frequency in large population cohorts (gnomAD); This variant is associated with the following publications: (PMID: 10639629, 7847370, 36964972, 36796140, 36779057, 16767662, 30090141, 38178268, 17418573, 28857175, 31068157, 31567646, 33184660, 29572832, 34008892, 11591859, 33042247, 9066893, 7650604, 34608571, 31328266, 11555352, 38609989, 37656291, 19225109, 19118277)

Laboratory of Genetics, Children's Clinical University Hospital Latvia
Classification: Pathogenic. Last evaluated: 2025-02-16. Review status: criteria provided, single submitter. Criteria: ACMG Guidelines, 2015. Collection method: clinical testing. Allele origin: germline. Affected: yes.

Blueprint Genetics
Classification: Pathogenic for CACNA1S-related disorders. Last evaluated: 2023-08-28. Review status: criteria provided, single submitter. Criteria: ACMG Guidelines, 2015. Collection method: clinical testing. Allele origin: germline. Affected: yes. Observed: 1 variant allele.

Genome-Nilou Lab
Classification: Pathogenic for Malignant hyperthermia, susceptibility to, 5. Last evaluated: 2023-04-11. Review status: criteria provided, single submitter. Criteria: ACMG Guidelines, 2015. Collection method: clinical testing. Allele origin: germline. Affected: no.

Genome-Nilou Lab
Classification: Pathogenic for Hypokalemic periodic paralysis, type 1. Last evaluated: 2023-04-11. Review status: criteria provided, single submitter. Criteria: ACMG Guidelines, 2015. Collection method: clinical testing. Allele origin: germline. Affected: no.

Athena Diagnostics
Classification: Pathogenic. Last evaluated: 2023-03-28. Review status: criteria provided, single submitter. Criteria: Athena Diagnostics Criteria. Collection method: clinical testing. Allele origin: unknown.
Comment: This variant has not been reported in large, multi-ethnic general populations. This variant has been identified in multiple unrelated individuals with HOKPP and segregates with disease in multiple families. At least one other missense variant at this codon is considered to be pathogenic or likely pathogenic. Computational tools predict that this variant is damaging.